The following is an entry in ClinVar:

NM_020366.4(RPGRIP1):c.1763-2A>G

Gene: RPGRIP1 (RPGR interacting protein 1; plus strand). Cytogenetic location: 14q11.2.
Variant type: single nucleotide variant.
Coding change: c.1763-2A>G on transcript NM_020366.4 (MANE Select); the canonical splice acceptor site of the intron before coding-DNA position 1763, A replaced by G.
Molecular consequence: splice acceptor variant. On other transcripts: intron variant (3).
Genome position (GRCh38, 1-based): chr14:21,324,616, A>G. VCF-style: chr14-21324616-A-G. GRCh37 (hg19) VCF-style: chr14-21792775-A-G.
Other names: c.689-2A>G (NM_001377948.1, NM_001377949.1); c.688+2612A>G (NM_001377523.1, NM_001377950.1); c.190+2612A>G (NM_001377951.1).
Identifiers: ClinVar variation 2137549 (VCV002137549.4), dbSNP rs771106795, ClinGen allele CA7089090.

ClinVar aggregate classification (germline): Likely pathogenic (1 of 4 stars; one submission).

Conditions:
Leber congenital amaurosis 6 (LCA6). Identifiers: Orphanet 65, MedGen C1854260, MONDO:0013446, OMIM 613826.
Cone-rod dystrophy 13 (CORD13). Identifiers: Orphanet 1872, MedGen C2750720, MONDO:0011987, OMIM 608194.

Allele frequency attached by ClinVar (database versions not stated): gnomAD exomes below 0.00001; ExAC 0.00001; gnomAD 0.00001; TOPMed 0.00001.
gnomAD v4.1: 3 of 1,612,160 alleles (0.00019%); highest among the groups gnomAD compares: African/African-American, 0.004%; no homozygotes.

Submission:

Labcorp Genetics (formerly Invitae), Labcorp
Classification: Likely pathogenic for Leber congenital amaurosis 6; Cone-rod dystrophy 13. Last evaluated: 2022-08-01. Review status: criteria provided, single submitter. Criteria: Invitae Variant Classification Sherloc (09022015). Collection method: clinical testing. Allele origin: germline.
Comment: In summary, the currently available evidence indicates that the variant is pathogenic, but additional data are needed to prove that conclusively. Therefore, this variant has been classified as Likely Pathogenic. Algorithms developed to predict the effect of sequence changes on RNA splicing suggest that this variant may disrupt the consensus splice site. Disruption of this splice site has been observed in individual(s) with cone rod dystrophy (PMID: 26992781). This variant is present in population databases (rs771106795, gnomAD 0.01%). This sequence change affects an acceptor splice site in intron 13 of the RPGRIP1 gene. It is expected to disrupt RNA splicing. Variants that disrupt the donor or acceptor splice site typically lead to a loss of protein function (PMID: 16199547), and loss-of-function variants in RPGRIP1 are known to be pathogenic (PMID: 11528500, 23105016).

Literature cited by the submitters: PubMed 26992781; PubMed 16199547; PubMed 11528500; PubMed 23105016.